The following is an entry in ClinVar:

ClinVar aggregate classification (germline): Benign/Likely benign. Review status: criteria provided, multiple submitters, no conflicts (2 of 4 stars). 18 submissions from 15 submitters: Benign (2); Likely benign (12). 4 of the submissions do not count toward it. Last evaluated 2026-10-01.

Conditions:
Malignant hyperthermia, susceptibility to, 5 (MHS5). Also called: CACNA1S-Related Malignant Hyperthermia Susceptibility. Identifiers: Orphanet 423, MedGen C1866077, MONDO:0011163, OMIM 601887.
Hypokalemic periodic paralysis, type 1. Also called: HypoPP; Hypokalemic Periodic Paralysis Type 1 (AD). Identifiers: Orphanet 681, MedGen C3714580, MONDO:0042979, OMIM 170400.
Thyrotoxic periodic paralysis, susceptibility to, 1 (TTPP1). Identifiers: Orphanet 79102, MedGen C2749982, MONDO:0008570, OMIM 188580.
CACNA1S-related disorder. Also called: CACNA1S-related condition.
Congenital myopathy 18. Also called: DIHYDROPYRIDINE RECEPTOR CONGENITAL MYOPATHY; DHPR CONGENITAL MYOPATHY; Myopathy, congenital, due to dihydropyridine receptor defect. Identifiers: MedGen C5830283, MONDO:0859514, OMIM 620246.

Allele frequency attached by ClinVar (database versions not stated): 1000 Genomes Project 30x 0.00094; 1000 Genomes Project 0.00120; ExAC 0.00230; gnomAD 0.00234 and 0.00241; gnomAD exomes 0.00243 and 0.00323; ESP Exome Variant Server 0.00254; TOPMed 0.00274.
gnomAD v4.1: 5,052 of 1,614,144 alleles (0.31%); highest among the groups gnomAD compares: Admixed American, 0.45%; 10 homozygotes.

Submissions (18):

CeGaT Center for Human Genetics Tuebingen
Classification: Likely benign. Last evaluated: 2026-10-01. Review status: criteria provided, single submitter. Criteria: CeGaT Center For Human Genetics Tuebingen Variant Classification Criteria Version 2. Collection method: clinical testing. Allele origin: germline. Affected: yes. Observed: 17 variant alleles.
Comment: CACNA1S: BP4, BS2

Labcorp Genetics (formerly Invitae), Labcorp
Classification: Benign for Hypokalemic periodic paralysis, type 1; Malignant hyperthermia, susceptibility to, 5. Last evaluated: 2026-01-28. Review status: criteria provided, single submitter. Criteria: Invitae Variant Classification Sherloc (09022015). Collection method: clinical testing. Allele origin: germline.

ARUP Laboratories, Molecular Genetics and Genomics, ARUP Laboratories
Classification: Likely benign. Last evaluated: 2024-12-23. Review status: criteria provided, single submitter. Criteria: ARUP Molecular Germline Variant Investigation Process 2024. Collection method: clinical testing. Allele origin: germline.

Blueprint Genetics
Classification: Likely benign. Last evaluated: 2024-10-31. Review status: criteria provided, single submitter. Criteria: ACMG Guidelines, 2015. Collection method: clinical testing. Allele origin: germline.

All of Us Research Program, National Institutes of Health
Classification: Likely benign for Malignant hyperthermia, susceptibility to, 5. Last evaluated: 2024-09-28. Review status: criteria provided, single submitter. Criteria: ACMG Guidelines, 2015. Collection method: clinical testing. Allele origin: germline. Inheritance: Autosomal dominant inheritance. Observed: 876 variant alleles, 874 heterozygotes, 2 homozygotes.
Comment: This study involves interpretation of variants in research participants for the purpose of population health screening. Participant phenotype was not available at the time of variant classification. Additional details can be found in publication PMID: 35346344, PMCID: PMC8962531

Women's Health and Genetics/Laboratory Corporation of America, LabCorp
Classification: Likely benign. Last evaluated: 2024-04-02. Review status: criteria provided, single submitter. Criteria: LabCorp Variant Classification Summary - May 2015. Collection method: clinical testing. Allele origin: germline.

Genome-Nilou Lab
Classification: Likely benign for Malignant hyperthermia, susceptibility to, 5. Last evaluated: 2023-04-11. Review status: criteria provided, single submitter. Criteria: ACMG Guidelines, 2015. Collection method: clinical testing. Allele origin: germline. Affected: no.

Genome-Nilou Lab
Classification: Likely benign for Thyrotoxic periodic paralysis, susceptibility to, 1. Last evaluated: 2023-04-11. Review status: criteria provided, single submitter. Criteria: ACMG Guidelines, 2015. Collection method: clinical testing. Allele origin: germline. Affected: no.

Genome-Nilou Lab
Classification: Likely benign for Congenital myopathy 18. Last evaluated: 2023-04-11. Review status: criteria provided, single submitter. Criteria: ACMG Guidelines, 2015. Collection method: clinical testing. Allele origin: germline. Affected: no.

Genome-Nilou Lab
Classification: Likely benign for Hypokalemic periodic paralysis, type 1. Last evaluated: 2023-04-11. Review status: criteria provided, single submitter. Criteria: ACMG Guidelines, 2015. Collection method: clinical testing. Allele origin: germline. Affected: no.

Color Diagnostics, LLC DBA Color Health
Classification: Likely benign for Malignant hyperthermia, susceptibility to, 5. Last evaluated: 2022-09-20. Review status: criteria provided, single submitter. Criteria: ACMG Guidelines, 2015. Collection method: clinical testing. Allele origin: germline.

GeneDx
Classification: Likely benign. Last evaluated: 2021-02-25. Review status: criteria provided, single submitter. Criteria: GeneDx Variant Classification Process June 2021. Collection method: clinical testing. Allele origin: germline. Affected: yes.
Comment: This variant is associated with the following publications: (PMID: 25658027, 27153395)

Illumina Laboratory Services, Illumina
Classification: Benign for Hypokalemic periodic paralysis, type 1. Last evaluated: 2018-01-12. Review status: criteria provided, single submitter. Criteria: ICSL Variant Classification Criteria 13 December 2019. Collection method: clinical testing. Allele origin: germline.
Comment: This variant was observed in the ICSL laboratory as part of a predisposition screen in an ostensibly healthy population. It had not been previously curated by ICSL or reported in the Human Gene Mutation Database (HGMD: prior to June 1st, 2018), and was therefore a candidate for classification through an automated scoring system. Utilizing variant allele frequency, disease prevalence and penetrance estimates, and inheritance mode, an automated score was calculated to assess if this variant is too frequent to cause the disease. Based on the score and internal cut-off values, a variant classified as benign is not then subjected to further curation. The score for this variant resulted in a classification of benign for this disease.

Breakthrough Genomics
Classification: Likely benign. Review status: criteria provided, single submitter. Criteria: ACMG Guidelines, 2015. Collection method: not provided. Allele origin: germline. Inheritance: Autosomal dominant inheritance. Affected: yes.

PreventionGenetics, part of Exact Sciences
Classification: Likely benign for CACNA1S-related condition. Last evaluated: 2019-12-06. Review status: no assertion criteria provided. Collection method: clinical testing. Allele origin: germline. Not counted in ClinVar's aggregate classification.
Comment: This variant is classified as likely benign based on ACMG/AMP sequence variant interpretation guidelines (Richards et al. 2015 PMID: 25741868, with internal and published modifications).

Clinical Genetics DNA and cytogenetics Diagnostics Lab, Erasmus MC, Erasmus Medical Center
Classification: Likely benign. Review status: no assertion criteria provided. Collection method: clinical testing. Allele origin: germline. Affected: yes. Study: VKGL Data-share Consensus. Not counted in ClinVar's aggregate classification.

Genome Diagnostics Laboratory, University Medical Center Utrecht
Classification: Likely benign. Review status: no assertion criteria provided. Collection method: clinical testing. Allele origin: germline. Affected: yes. Study: VKGL Data-share Consensus. Not counted in ClinVar's aggregate classification.

Joint Genome Diagnostic Labs from Nijmegen and Maastricht, Radboudumc and MUMC+
Classification: Benign. Review status: no assertion criteria provided. Collection method: clinical testing. Allele origin: germline. Affected: yes. Study: VKGL Data-share Consensus. Not counted in ClinVar's aggregate classification.

NM_000069.3(CACNA1S):c.5515C>T (p.Pro1839Ser)

Gene: CACNA1S (calcium voltage-gated channel subunit alpha1 S; minus strand). Cytogenetic location: 1q32.1.
Variant type: single nucleotide variant.
Coding change: c.5515C>T on transcript NM_000069.3 (MANE Select); coding-DNA position 5515, C replaced by T.
Protein change: p.Pro1839Ser; replaces proline 1839 with serine.
Molecular consequence: missense variant.
Genome position (GRCh38, 1-based): chr1:201,039,938, G>A on the plus strand (C>T on the coding strand, the complement: CACNA1S is on the minus strand). VCF-style: chr1-201039938-G-A. GRCh37 (hg19) VCF-style: chr1-201009066-G-A.
Other names: short protein forms P1839S.
Identifiers: ClinVar variation 294705 (VCV000294705.62), dbSNP rs149547196, ClinGen allele CA083889.